The following is an entry in ClinVar:

ClinVar aggregate classification (germline): Uncertain significance (1 of 4 stars; one submission).

Conditions:
Cardiovascular phenotype. Identifiers: MedGen CN230736.

gnomAD v4.1: 4 of 1,603,752 alleles (0.00025%); highest among the groups gnomAD compares: Non-Finnish European, 0.00034%; no homozygotes.

Submission:

Ambry Genetics
Classification: Uncertain significance for Cardiovascular phenotype. Last evaluated: 2026-03-21. Review status: criteria provided, single submitter. Criteria: Ambry Variant Classification Scheme 2023. Collection method: clinical testing. Allele origin: germline.
Comment: The p.R1523Q variant (also known as c.4568G>A), located in coding exon 37 of the CACNA1C gene, results from a G to A substitution at nucleotide position 4568. The arginine at codon 1523 is replaced by glutamine, an amino acid with highly similar properties. This amino acid position is conserved. In addition, this alteration is predicted to be deleterious by in silico analysis. Based on the available evidence, the clinical significance of this variant remains unclear.

NM_000719.7(CACNA1C):c.4568G>A (p.Arg1523Gln)

Gene: CACNA1C (calcium voltage-gated channel subunit alpha1 C; plus strand). Cytogenetic location: 12p13.33.
Variant type: single nucleotide variant.
Coding change: c.4568G>A on transcript NM_000719.7 (MANE Select); coding-DNA position 4568, G replaced by A.
Protein change: p.Arg1523Gln; replaces arginine 1523 with glutamine.
Molecular consequence: missense variant.
Genome position (GRCh38, 1-based): chr12:2,666,727, G>A. VCF-style: chr12-2666727-G-A. GRCh37 (hg19) VCF-style: chr12-2775893-G-A.
Other names: c.4712G>A, p.Arg1571Gln (NM_001129827.2, NM_199460.4); c.4634G>A, p.Arg1545Gln (NM_001129829.2); c.4568G>A, p.Arg1523Gln (NM_001129830.3, NM_001129833.2, NM_001129834.2 and 7 more transcripts); c.4652G>A, p.Arg1551Gln (NM_001129831.2); c.4628G>A, p.Arg1543Gln (NM_001129832.2); c.4619G>A, p.Arg1540Gln (NM_001129836.2); c.4535G>A, p.Arg1512Gln (NM_001129837.2, NM_001129838.2, NM_001129846.2 and 1 more transcripts); c.4529G>A, p.Arg1510Gln (NM_001129839.2); and 1 more; short protein forms R1510Q, R1512Q, R1520Q, R1523Q, R1540Q, R1543Q, R1545Q, R1551Q.
Identifiers: ClinVar variation 4868056 (VCV004868056.1).
Genomic context (GRCh38, chr12:2,666,727, plus strand): 5'-CCTCTCCCTCCTCTTCTAGGGGTCGTATCAAACACCTGGATGTGGTGACCCTCCTCCGGC[G>A]GATTCAGCCGCCACTAGGTTTTGGGAAGCTGTGCCCTCACCGCGTGGCTTGCAAAGTAAG-3'
Protein context (NP_000710.5, residues 1513-1533): KHLDVVTLLR[Arg1523Gln]IQPPLGFGKL